The following is an entry in ClinVar:

ClinVar aggregate classification (germline): Uncertain significance (1 of 4 stars; one submission).

Submission:

GeneDx
Classification: Uncertain significance. Last evaluated: 2017-08-29. Review status: criteria provided, single submitter. Criteria: GeneDx Variant Classification (06012015). Collection method: clinical testing. Allele origin: germline. Affected: yes.
Comment: The I1156M variant in the ATP2B3 gene has not been reported previously as a pathogenic variant, nor as a benign variant, to our knowledge. The I1156M variant was not observed in approximately 6500 individuals of European and African American ancestry in the NHLBI Exome Sequencing Project, indicating it is not a common benign variant in these populations. The I1156M variant is a conservative amino acid substitution, which is not likely to impact secondary protein structure as these residues share similar properties. This substitution occurs at a position that is conserved across species and in silico analysis predicts this variant is probably damaging to the protein structure/function. Therefore, we interpret I1156M as a variant of uncertain significance.

NM_001001344.3(ATP2B3):c.3468C>G (p.Ile1156Met)

Gene: ATP2B3 (ATPase plasma membrane Ca2+ transporting 3; plus strand). Cytogenetic location: Xq28.
Variant type: single nucleotide variant.
Coding change: c.3468C>G on transcript NM_001001344.3 (MANE Select); coding-DNA position 3468, C replaced by G.
Protein change: p.Ile1156Met; replaces isoleucine 1156 with methionine.
Molecular consequence: missense variant. On other transcripts: 3 prime UTR variant (2).
Genome position (GRCh38, 1-based): chrX:153,580,103, C>G. VCF-style: chrX-153580103-C-G. GRCh37 (hg19) VCF-style: chrX-152845561-C-G.
Other names: c.*100C>G (NM_001388360.1, NM_021949.4); c.3468C>G, p.Ile1156Met (NM_001388361.1); short protein forms I1156M.
Identifiers: ClinVar variation 386820 (VCV000386820.2), dbSNP rs1057522613, ClinGen allele CA16608296.